The following is an entry in ClinVar:

ClinVar aggregate classification (germline): Pathogenic (1 of 4 stars; one submission).

Conditions:
Ataxia-telangiectasia syndrome (AT). Also called: AT, COMPLEMENTATION GROUP C; Ataxia telangiectasia (A-T); LOUIS-BAR SYNDROME; Ataxia-telangiectasia, complementation group D; Ataxia-telangiectasia, complementation group E; ATAXIA-TELANGIECTASIA, COMPLEMENTATION GROUP A. Identifiers: Orphanet 100, MedGen C0004135, MONDO:0008840, OMIM 208900.

Submission:

Labcorp Genetics (formerly Invitae), Labcorp
Classification: Pathogenic for Ataxia-telangiectasia syndrome. Last evaluated: 2022-03-01. Review status: criteria provided, single submitter. Criteria: Invitae Variant Classification Sherloc (09022015). Collection method: clinical testing. Allele origin: germline.
Comment: For these reasons, this variant has been classified as Pathogenic. This variant has not been reported in the literature in individuals affected with ATM-related conditions. This variant is not present in population databases (gnomAD no frequency). This sequence change creates a premature translational stop signal (p.Leu1488Valfs*10) in the ATM gene. It is expected to result in an absent or disrupted protein product. Loss-of-function variants in ATM are known to be pathogenic (PMID: 23807571, 25614872).

Literature cited by the submitters: PubMed 23807571; PubMed 25614872.

NM_000051.4(ATM):c.4461_4464del (p.Leu1488fs)

Gene: ATM (ATM serine/threonine kinase; plus strand). Cytogenetic location: 11q22.3.
Variant type: Deletion.
Coding change: c.4461_4464del on transcript NM_000051.4 (MANE Select); coding-DNA positions 4461 to 4464, 4 bases deleted (ATTA; older notation c.4461_4464delATTA).
Protein change: p.Leu1488fs; shifts the reading frame from leucine 1488.
Molecular consequence: frameshift variant.
Genome position (GRCh38, 1-based): chr11:108,292,643-108,292,646, ATTA deleted. VCF-style (leftmost placement, unchanged base first): chr11-108292642-CATTA-C. GRCh37 (hg19) VCF-style: chr11-108163369-CATTA-C.
Other names: c.4461_4464del, p.Leu1488fs (NM_001351834.2); short protein forms L1488fs.
Identifiers: ClinVar variation 2104968 (VCV002104968.4), dbSNP rs2546924219, ClinGen allele CA2580083253.